The following is an entry in ClinVar:

ClinVar aggregate classification (germline): Likely benign. Review status: criteria provided, multiple submitters, no conflicts (2 of 4 stars). 2 submissions from 2 submitters: Likely benign (2). Last evaluated 2026-01-01.

Conditions:
Ehlers-Danlos syndrome, spondylodysplastic type, 2 (EDSSPD2). Also called: Ehlers-Danlos syndrome, progeroid type, 2. Identifiers: Orphanet 536467, Orphanet 75496, MedGen C3809210, MONDO:0014139, OMIM 615349.
Spondyloepimetaphyseal dysplasia with joint laxity (SEMDJL). Identifiers: MedGen C0432243, MONDO:0019675.

Allele frequency attached by ClinVar (database versions not stated): gnomAD 0.00001; TOPMed 0.00001; gnomAD exomes 0.00002.
gnomAD v4.1: 10 of 1,448,820 alleles (0.00069%); highest among the groups gnomAD compares: South Asian, 0.0014%; no homozygotes.

Submissions (2):

CeGaT Center for Human Genetics Tuebingen
Classification: Likely benign. Last evaluated: 2026-01-01. Review status: criteria provided, single submitter. Criteria: CeGaT Center For Human Genetics Tuebingen Variant Classification Criteria Version 2. Collection method: clinical testing. Allele origin: germline. Affected: yes. Observed: 2 variant alleles.
Comment: B3GALT6: BP4, BP7

Labcorp Genetics (formerly Invitae), Labcorp
Classification: Likely benign for Ehlers-Danlos syndrome, spondylodysplastic type, 2; Spondyloepimetaphyseal dysplasia with joint laxity. Last evaluated: 2025-09-03. Review status: criteria provided, single submitter. Criteria: Invitae Variant Classification Sherloc (09022015). Collection method: clinical testing. Allele origin: germline.

NM_080605.4(B3GALT6):c.552C>T (p.Gly184=)

Gene: B3GALT6 (beta-1,3-galactosyltransferase 6; plus strand). Cytogenetic location: 1p36.33.
Variant type: single nucleotide variant.
Coding change: c.552C>T on transcript NM_080605.4 (MANE Select); coding-DNA position 552, C replaced by T.
Protein change: p.Gly184=; no amino-acid change (glycine 184 retained).
Molecular consequence: synonymous variant.
Genome position (GRCh38, 1-based): chr1:1,232,830, C>T. VCF-style: chr1-1232830-C-T. GRCh37 (hg19) VCF-style: chr1-1168210-C-T.
Identifiers: ClinVar variation 1505037 (VCV001505037.37), dbSNP rs1256336773, ClinGen allele CA415761414.